The following is an entry in ClinVar:

NM_181486.4(TBX5):c.57A>G (p.Ala19=)

Gene: TBX5 (T-box transcription factor 5; minus strand). Cytogenetic location: 12q24.21.
Variant type: single nucleotide variant.
Coding change: c.57A>G on transcript NM_181486.4 (MANE Select); coding-DNA position 57, A replaced by G.
Protein change: p.Ala19=; no amino-acid change (alanine 19 retained).
Molecular consequence: synonymous variant. On other transcripts: intron variant (1).
Genome position (GRCh38, 1-based): chr12:114,403,842, T>C on the plus strand (A>G on the coding strand, the complement: TBX5 is on the minus strand). VCF-style: chr12-114403842-T-C. GRCh37 (hg19) VCF-style: chr12-114841647-T-C.
Other names: c.57A>G, p.Ala19= (NM_000192.3); c.-3-1922A>G (NM_080717.4).
Identifiers: ClinVar variation 307311 (VCV000307311.11), dbSNP rs567785340, ClinGen allele CA6809734.

ClinVar aggregate classification (germline): Benign/Likely benign. Review status: criteria provided, multiple submitters, no conflicts (2 of 4 stars). 4 submissions from 4 submitters: Benign (2); Likely benign (2). Last evaluated 2025-11-30.

Conditions:
Aortic valve disease 2 (AOVD2). Identifiers: MedGen C3542024, MONDO:0013902, OMIM 614823.
Holt-Oram syndrome (HOS). Also called: TBX5-Related Holt-Oram Syndrome; Ventriculo-radial syndrome; Cardiac-limb syndrome; Heart-hand syndrome, type 1. Identifiers: Orphanet 392, MedGen C0265264, MONDO:0007732, OMIM 142900.
Cardiovascular phenotype. Identifiers: MedGen CN230736.

Allele frequency attached by ClinVar (database versions not stated): gnomAD 0.00003; TOPMed 0.00005.
gnomAD v4.1: 74 of 1,613,862 alleles (0.0046%); highest among the groups gnomAD compares: Non-Finnish European, 0.0015%; no homozygotes.

Submissions (4):

Labcorp Genetics (formerly Invitae), Labcorp
Classification: Benign for Aortic valve disease 2. Last evaluated: 2025-11-30. Review status: criteria provided, single submitter. Criteria: Invitae Variant Classification Sherloc (09022015). Collection method: clinical testing. Allele origin: germline.

Blueprint Genetics
Classification: Likely benign. Last evaluated: 2024-05-03. Review status: criteria provided, single submitter. Criteria: ACMG Guidelines, 2015. Collection method: clinical testing. Allele origin: germline.

Ambry Genetics
Classification: Benign for Cardiovascular phenotype. Last evaluated: 2020-08-06. Review status: criteria provided, single submitter. Criteria: Ambry Variant Classification Scheme 2023. Collection method: clinical testing. Allele origin: germline.

Illumina Laboratory Services, Illumina
Classification: Likely benign for Holt-Oram syndrome. Last evaluated: 2018-01-12. Review status: criteria provided, single submitter. Criteria: ICSL Variant Classification Criteria 13 December 2019. Collection method: clinical testing. Allele origin: germline.
Comment: This variant was observed in the ICSL laboratory as part of a predisposition screen in an ostensibly healthy population. It had not been previously curated by ICSL or reported in the Human Gene Mutation Database (HGMD: prior to June 1st, 2018), and was therefore a candidate for classification through an automated scoring system. Utilizing variant allele frequency, disease prevalence and penetrance estimates, and inheritance mode, an automated score was calculated to assess if this variant is too frequent to cause the disease. Based on the score and internal cut-off values, a variant classified as likely benign is not then subjected to further curation. The score for this variant resulted in a classification of likely benign for this disease.